The following is an entry in ClinVar:

NM_002524.5(NRAS):c.83T>G (p.Phe28Cys)

Gene: NRAS (NRAS proto-oncogene, GTPase; minus strand). Cytogenetic location: 1p13.2.
Variant type: single nucleotide variant.
Coding change: c.83T>G on transcript NM_002524.5 (MANE Select); coding-DNA position 83, T replaced by G.
Protein change: p.Phe28Cys; replaces phenylalanine 28 with cysteine.
Molecular consequence: missense variant.
Genome position (GRCh38, 1-based): chr1:114,716,078, A>C on the plus strand (T>G on the coding strand, the complement: NRAS is on the minus strand). VCF-style: chr1-114716078-A-C. GRCh37 (hg19) VCF-style: chr1-115258699-A-C.
Other names: short protein forms F28C.
Identifiers: ClinVar variation 3393351 (VCV003393351.1).

ClinVar aggregate classification (germline): Uncertain significance (1 of 4 stars; one submission).

Conditions:
Noonan syndrome 6 (NS6). Also called: NRAS-Related Noonan Syndrome. Identifiers: Orphanet 648, MedGen C2750732, MONDO:0013186, OMIM 613224.

Submission:

Institute of Human Genetics, University of Goettingen
Classification: Uncertain significance for Noonan syndrome 6. Last evaluated: 2025-01-02. Review status: criteria provided, single submitter. Criteria: ACMG Guidelines, 2015. Collection method: clinical testing. Allele origin: germline. Inheritance: Autosomal dominant inheritance. Observed: 1 heterozygote.
Comment: PM2_sup: extremely low in population databases PP3: For a missense or a splicing region variant, computational prediction tools unanimously support a deleterious effect on the gene